The following is an entry in ClinVar:

NM_015474.4(SAMHD1):c.1692C>T (p.Ala564=)

Gene: SAMHD1 (SAM and HD domain containing deoxynucleoside triphosphate triphosphohydrolase 1; minus strand). Cytogenetic location: 20q11.23.
Variant type: single nucleotide variant.
Coding change: c.1692C>T on transcript NM_015474.4 (MANE Select); coding-DNA position 1692, C replaced by T.
Protein change: p.Ala564=; no amino-acid change (alanine 564 retained).
Molecular consequence: synonymous variant.
Genome position (GRCh38, 1-based): chr20:36,897,876, G>A on the plus strand (C>T on the coding strand, the complement: SAMHD1 is on the minus strand). VCF-style: chr20-36897876-G-A. GRCh37 (hg19) VCF-style: chr20-35526279-G-A.
Other names: p.Ala564=; c.1587C>T, p.Ala529= (NM_001363729.2); c.1692C>T, p.Ala564= (NM_001363733.2).
Identifiers: ClinVar variation 338341 (VCV000338341.23), dbSNP rs200856791, ClinGen allele CA9844440.

ClinVar aggregate classification (germline): Benign/Likely benign. Review status: criteria provided, multiple submitters, no conflicts (2 of 4 stars). 9 submissions from 8 submitters: Benign (6); Likely benign (2). 1 of the submissions does not count toward it. Last evaluated 2026-06-01.

Conditions:
Aicardi-Goutieres syndrome 5. Identifiers: Orphanet 51, MedGen C2749659, MONDO:0013059, OMIM 612952.
Chilblain lupus 2 (CHBL2). Identifiers: MedGen C3280721, MONDO:0013739, OMIM 614415.
SAMHD1-related disorder. Also called: SAMHD1-related condition.

Allele frequency attached by ClinVar (database versions not stated): 1000 Genomes Project 0.00020; gnomAD 0.00025 and 0.00026; gnomAD exomes 0.00029 and 0.00144; 1000 Genomes Project 30x 0.00031; TOPMed 0.00066; ExAC 0.00114.
gnomAD v4.1: 461 of 1,614,124 alleles (0.029%); highest among the groups gnomAD compares: Admixed American, 0.71%; no homozygotes.

Submissions (9):

CeGaT Center for Human Genetics Tuebingen
Classification: Likely benign. Last evaluated: 2026-06-01. Review status: criteria provided, single submitter. Criteria: CeGaT Center For Human Genetics Tuebingen Variant Classification Criteria Version 2. Collection method: clinical testing. Allele origin: germline. Affected: yes. Observed: 1 variant allele.
Comment: SAMHD1: BP4, BP7

Labcorp Genetics (formerly Invitae), Labcorp
Classification: Benign for Aicardi-Goutieres syndrome 5. Last evaluated: 2026-02-03. Review status: criteria provided, single submitter. Criteria: Invitae Variant Classification Sherloc (09022015). Collection method: clinical testing. Allele origin: germline.

Women's Health and Genetics/Laboratory Corporation of America, LabCorp
Classification: Benign. Last evaluated: 2026-01-23. Review status: criteria provided, single submitter. Criteria: LabCorp Variant Classification Summary - May 2015. Collection method: clinical testing. Allele origin: germline.

Mayo Clinic Laboratories, Mayo Clinic
Classification: Benign. Last evaluated: 2025-02-17. Review status: criteria provided, single submitter. Criteria: ACMG Guidelines, 2015. Collection method: clinical testing. Allele origin: germline. Observed: 1 variant allele.
Comment: BA1, BP4, BP7

Blueprint Genetics
Classification: Likely benign. Last evaluated: 2024-11-04. Review status: criteria provided, single submitter. Criteria: ACMG Guidelines, 2015. Collection method: clinical testing. Allele origin: germline.

Athena Diagnostics
Classification: Benign. Last evaluated: 2024-10-07. Review status: criteria provided, single submitter. Criteria: Athena Diagnostics Criteria. Collection method: clinical testing. Allele origin: unknown.

Illumina Laboratory Services, Illumina
Classification: Benign for Aicardi-Goutieres syndrome 5. Last evaluated: 2018-01-12. Review status: criteria provided, single submitter. Criteria: ICSL Variant Classification Criteria 13 December 2019. Collection method: clinical testing. Allele origin: germline.
Comment: This variant was observed in the ICSL laboratory as part of a predisposition screen in an ostensibly healthy population. It had not been previously curated by ICSL or reported in the Human Gene Mutation Database (HGMD: prior to June 1st, 2018), and was therefore a candidate for classification through an automated scoring system. Utilizing variant allele frequency, disease prevalence and penetrance estimates, and inheritance mode, an automated score was calculated to assess if this variant is too frequent to cause the disease. Based on the score and internal cut-off values, a variant classified as benign is not then subjected to further curation. The score for this variant resulted in a classification of benign for this disease.

Illumina Laboratory Services, Illumina
Classification: Benign for Chilblain lupus 2. Last evaluated: 2018-01-12. Review status: criteria provided, single submitter. Criteria: ICSL Variant Classification Criteria 13 December 2019. Collection method: clinical testing. Allele origin: germline.
Comment: the same text as in the submission from Illumina Laboratory Services, Illumina above.

PreventionGenetics, part of Exact Sciences
Classification: Benign for SAMHD1-related condition. Last evaluated: 2019-04-01. Review status: no assertion criteria provided. Collection method: clinical testing. Allele origin: germline. Not counted in ClinVar's aggregate classification.
Comment: This variant is classified as benign based on ACMG/AMP sequence variant interpretation guidelines (Richards et al. 2015 PMID: 25741868, with internal and published modifications).